The following is an entry in ClinVar:

ClinVar aggregate classification (germline): Pathogenic. Review status: criteria provided, multiple submitters, no conflicts (2 of 4 stars). 6 submissions from 6 submitters: Pathogenic (5). 1 of the submissions does not count toward it. Last evaluated 2026-04-14.

Conditions:
PCYT1A-related disorders.
PCYT1A-related disorder. Also called: PCYT1A-related condition.
Inborn genetic diseases. Identifiers: MedGen C0950123, MeSH D030342.
Spondylometaphyseal dysplasia-cone-rod dystrophy syndrome. Identifiers: Orphanet 85167, MedGen C1837073, MONDO:0012160, OMIM 608940.

Allele frequency attached by ClinVar (database versions not stated): gnomAD exomes 0.00001; ExAC 0.00002; TOPMed 0.00002; gnomAD 0.00003.
gnomAD v4.1: 21 of 1,612,204 alleles (0.0013%); highest among the groups gnomAD compares: East Asian, 0.0022%; no homozygotes.

Submissions (6):

PreventionGenetics, part of Exact Sciences
Classification: Pathogenic for PCYT1A-related condition. Last evaluated: 2026-04-14. Review status: criteria provided, single submitter. Criteria: ACMG Guidelines, 2015. Collection method: clinical testing. Allele origin: germline.
Comment: The PCYT1A c.296C>T variant is predicted to result in the amino acid substitution p.Ala99Val. This variant has been reported in the homozygous and compound heterozygous state in several individuals with spondylometaphyseal dysplasia with cone-rod dystrophy (Hoover-Fong et al. 2014. PubMed ID: 24387990) and with syndromic inherited retinal disease (IRD; Table S1, Karali et al. 2022. PubMed ID: 36460718). Functional studies in COS-1 cell lines showed the p.Ala99Val variant resulted in reduced PCYT1A activity compared to wildtype (Cornell et al. 2018. PubMed ID: 30559292). This variant is reported in 0.0018% of alleles in individuals of European (non-Finnish) descent in gnomAD and is interpreted as pathogenic in the ClinVar database (Variation ID: 101057). This variant is interpreted as pathogenic.

Blueprint Genetics
Classification: Pathogenic for PCYT1A-related disorders. Last evaluated: 2023-11-28. Review status: criteria provided, single submitter. Criteria: ACMG Guidelines, 2015. Collection method: clinical testing. Allele origin: germline. Affected: yes. Observed: 5 variant alleles.

Labcorp Genetics (formerly Invitae), Labcorp
Classification: Pathogenic. Last evaluated: 2022-02-18. Review status: criteria provided, single submitter. Criteria: Invitae Variant Classification Sherloc (09022015). Collection method: clinical testing. Allele origin: germline.
Comment: This variant is present in population databases (rs587777189, gnomAD 0.0009%). For these reasons, this variant has been classified as Pathogenic. Experimental studies have shown that this missense change affects PCYT1A function (PMID: 30559292). Advanced modeling of protein sequence and biophysical properties (such as structural, functional, and spatial information, amino acid conservation, physicochemical variation, residue mobility, and thermodynamic stability) performed at Invitae indicates that this missense variant is expected to disrupt PCYT1A protein function. ClinVar contains an entry for this variant (Variation ID: 101057). This missense change has been observed in individual(s) with spondylometaphyseal dysplasia with cone-rod dystrophy (PMID: 24387990). In at least one individual the data is consistent with being in trans (on the opposite chromosome) from a pathogenic variant. This sequence change replaces alanine, which is neutral and non-polar, with valine, which is neutral and non-polar, at codon 99 of the PCYT1A protein (p.Ala99Val).

Ambry Genetics
Classification: Pathogenic for Inborn genetic diseases. Last evaluated: 2016-02-04. Review status: criteria provided, single submitter. Criteria: Ambry exome assertion method (8-5-2015). Collection method: clinical testing. Allele origin: germline. Affected: yes. Observed: 1 variant allele.

Baylor-Hopkins Center for Mendelian Genomics, Johns Hopkins University School of Medicine
Classification: Pathogenic for Spondylometaphyseal dysplasia-cone-rod dystrophy syndrome. Review status: criteria provided, single submitter. Criteria: Submitter's publication. Collection method: research. Allele origin: germline. Affected: yes. Observed: 1 compound heterozygote, 2 homozygotes.

OMIM
Classification: Pathogenic for SPONDYLOMETAPHYSEAL DYSPLASIA WITH CONE-ROD DYSTROPHY. Last evaluated: 2014-01-02. Review status: no assertion criteria provided. Collection method: literature only. Allele origin: germline. Not counted in ClinVar's aggregate classification.

Literature cited by the submitters: PubMed 30559292 (cited by Labcorp Genetics (formerly Invitae), Labcorp); PubMed 24387990 (cited by Labcorp Genetics (formerly Invitae), Labcorp and OMIM); PubMed 15326626 (cited by OMIM).

NM_001312673.2(PCYT1A):c.296C>T (p.Ala99Val)

Gene: PCYT1A (phosphate cytidylyltransferase 1A, choline; minus strand). Cytogenetic location: 3q29.
Variant type: single nucleotide variant.
Coding change: c.296C>T on transcript NM_001312673.2 (MANE Select); coding-DNA position 296, C replaced by T.
Protein change: p.Ala99Val; replaces alanine 99 with valine.
Molecular consequence: missense variant.
Genome position (GRCh38, 1-based): chr3:196,248,245, G>A on the plus strand (C>T on the coding strand, the complement: PCYT1A is on the minus strand). VCF-style: chr3-196248245-G-A. GRCh37 (hg19) VCF-style: chr3-195975116-G-A.
Other names: c.296C>T (NM_005017.3); c.296C>T, p.Ala99Val (NM_005017.4); short protein forms A99V.
Identifiers: ClinVar variation 101057 (VCV000101057.12), dbSNP rs587777189, ClinGen allele CA214461.